The following is an entry in ClinVar:

ClinVar aggregate classification (germline): Benign/Likely benign. Review status: criteria provided, multiple submitters, no conflicts (2 of 4 stars). 3 submissions from 3 submitters: Benign (1); Likely benign (2). Last evaluated 2026-06-18.

Conditions:
DNAJB6-related disorder. Also called: DNAJB6-related condition.
Autosomal dominant limb-girdle muscular dystrophy type 1D (DNAJB6) (LGMDD1). Also called: MUSCULAR DYSTROPHY, LIMB-GIRDLE, TYPE 1D; MUSCULAR DYSTROPHY, AUTOSOMAL DOMINANT, WITH RIMMED VACUOLES; Autosomal dominant limb-girdle muscular dystrophy type 1D; Muscular dystrophy, limb-girdle, autosomal dominant 1. Identifiers: Orphanet 34516, MedGen C4721885, MONDO:0021018, OMIM 603511.

Allele frequency attached by ClinVar (database versions not stated): gnomAD 0.00038; TOPMed 0.00075; ExAC 0.00080; gnomAD exomes 0.00085; 1000 Genomes Project 0.00140; 1000 Genomes Project 30x 0.00172.

Submissions (3):

PreventionGenetics, part of Exact Sciences
Classification: Likely benign for DNAJB6-related condition. Last evaluated: 2026-06-18. Review status: criteria provided, single submitter. Criteria: ACMG Guidelines, 2015. Collection method: clinical testing. Allele origin: germline.
Comment: This variant is classified as likely benign based on ACMG/AMP sequence variant interpretation guidelines (Richards et al. 2015 PMID: 25741868, with internal and published modifications).

Labcorp Genetics (formerly Invitae), Labcorp
Classification: Benign for Autosomal dominant limb-girdle muscular dystrophy type 1D (DNAJB6). Last evaluated: 2025-11-03. Review status: criteria provided, single submitter. Criteria: Invitae Variant Classification Sherloc (09022015). Collection method: clinical testing. Allele origin: germline.

GeneDx
Classification: Likely benign. Last evaluated: 2018-07-16. Review status: criteria provided, single submitter. Criteria: GeneDx Variant Classification Process June 2021. Collection method: clinical testing. Allele origin: germline. Affected: yes.

NM_058246.4(DNAJB6):c.692-13G>T

Gene: DNAJB6 (DnaJ heat shock protein family (Hsp40) member B6; plus strand). Cytogenetic location: 7q36.3.
Variant type: single nucleotide variant.
Coding change: c.692-13G>T on transcript NM_058246.4 (MANE Select); 13 bases into the intron before coding-DNA position 692, G replaced by T.
Molecular consequence: intron variant.
Genome position (GRCh38, 1-based): chr7:157,409,782, G>T. VCF-style: chr7-157409782-G-T. GRCh37 (hg19) VCF-style: chr7-157202476-G-T.
Other names: c.347-13G>T (NM_001363676.1).
Identifiers: ClinVar variation 359455 (VCV000359455.16), dbSNP rs192981897, ClinGen allele CA4590634.
Genomic context (GRCh38, chr7:157,409,782, plus strand): 5'-CCTCCCTCTGCTCTGGATGGGGGCCGGCCGCCGCCGCTCACTCACGGCTCTCTCTCTCCC[G>T]CTGTGCCTGCAGGTGTGGCCGACGACGATGCCCTCGCTGAGGAGCGCATGCGGAGAGGCC-3'